The following is an entry in ClinVar:

ClinVar aggregate classification (germline): Pathogenic (1 of 4 stars; one submission).

Conditions:
X-linked agammaglobulinemia with growth hormone deficiency (IGHD3). Also called: AGAMMAGLOBULINEMIA AND ISOLATED GROWTH HORMONE DEFICIENCY, X-LINKED; Isolated growth hormone deficiency type 3; Growth hormone deficiency with hypogammaglobulinemia; ISOLATED GROWTH HORMONE DEFICIENCY, TYPE III, WITH AGAMMAGLOBULINEMIA; FLEISHER SYNDROME; HYPOGAMMAGLOBULINEMIA AND ISOLATED GROWTH HORMONE DEFICIENCY, X-LINKED. Identifiers: Orphanet 231692, Orphanet 631, MedGen C0472813, MONDO:0010615, OMIM 307200.

Submission:

Labcorp Genetics (formerly Invitae), Labcorp
Classification: Pathogenic for X-linked agammaglobulinemia with growth hormone deficiency. Last evaluated: 2019-06-14. Review status: criteria provided, single submitter. Criteria: Invitae Variant Classification Sherloc (09022015). Collection method: clinical testing. Allele origin: germline.
Comment: Disruption of this splice site has been reported in individuals affected with X-linked agammaglobulinemia (PMID: 15661032, 19904586, 12405164). For these reasons, this variant has been classified as Pathogenic. Donor and acceptor splice site variants typically lead to a loss of protein function (PMID: 16199547), and loss-of-function variants in BTK are known to be pathogenic (PMID: 15661032, 16862044, 19419768). Algorithms developed to predict the effect of sequence changes on RNA splicing suggest that this variant may disrupt the consensus splice site, but this prediction has not been confirmed by published transcriptional studies. This variant is not present in population databases (ExAC no frequency). This sequence change affects an acceptor splice site in intron 15 of the BTK gene. It is expected to disrupt RNA splicing and likely results in an absent or disrupted protein product.

Literature cited by the submitters: PubMed 15661032; PubMed 19904586; PubMed 12405164; PubMed 16199547; PubMed 16862044; PubMed 19419768.

NM_000061.3(BTK):c.1567-2A>G

Gene: BTK (Bruton tyrosine kinase; minus strand). Cytogenetic location: Xq22.1.
Variant type: single nucleotide variant.
Coding change: c.1567-2A>G on transcript NM_000061.3 (MANE Select); the canonical splice acceptor site of the intron before coding-DNA position 1567, A replaced by G.
Molecular consequence: splice acceptor variant.
Genome position (GRCh38, 1-based): chrX:101,354,696, T>C on the plus strand (A>G on the coding strand, the complement: BTK is on the minus strand). VCF-style: chrX-101354696-T-C. GRCh37 (hg19) VCF-style: chrX-100609684-T-C.
Other names: c.1669-2A>G (NM_001287344.2); c.1039-2A>G (NM_001287345.2).
Identifiers: ClinVar variation 936893 (VCV000936893.10), dbSNP rs1555977598, ClinGen allele CA413922560.
Genomic context (GRCh38, chrX:101,354,696, plus strand): 5'-AGGCCGAAATCAGATACTTTAACAACTCCTTGATCGTTTACCAAACAGTTTCGAGCTGCC[T>C]GTAGTGCAAACAGAGACCAGTGAGACTCCGTCCCCAGCACAGAGGTTAAAGGCACAAAGC-3'